The following is an entry in ClinVar:

ClinVar aggregate classification (germline): Uncertain significance (1 of 4 stars; one submission).

Conditions:
Cardiovascular phenotype. Identifiers: MedGen CN230736.

Submission:

Ambry Genetics
Classification: Uncertain significance for Cardiovascular phenotype. Last evaluated: 2025-02-07. Review status: criteria provided, single submitter. Criteria: Ambry Variant Classification Scheme 2023. Collection method: clinical testing. Allele origin: germline.
Comment: The p.S707G variant (also known as c.2119A>G), located in coding exon 10 of the MYPN gene, results from an A to G substitution at nucleotide position 2119. The serine at codon 707 is replaced by glycine, an amino acid with similar properties. This amino acid position is not well conserved in available vertebrate species. In addition, this alteration is predicted to be tolerated by in silico analysis. Based on the available evidence, the clinical significance of this variant remains unclear.

NM_032578.4(MYPN):c.2119A>G (p.Ser707Gly)

Gene: MYPN (myopalladin; plus strand). Cytogenetic location: 10q21.3.
Variant type: single nucleotide variant.
Coding change: c.2119A>G on transcript NM_032578.4 (MANE Select); coding-DNA position 2119, A replaced by G.
Protein change: p.Ser707Gly; replaces serine 707 with glycine.
Molecular consequence: missense variant. On other transcripts: non-coding transcript variant (2).
Genome position (GRCh38, 1-based): chr10:68,174,211, A>G. VCF-style: chr10-68174211-A-G. GRCh37 (hg19) VCF-style: chr10-69933968-A-G.
Other names: c.2119A>G, p.Ser707Gly (NM_001256267.2); c.1237A>G, p.Ser413Gly (NM_001256268.2); short protein forms S707G, S413G.
Identifiers: ClinVar variation 3877258 (VCV003877258.1).